The following is an entry in ClinVar:

ClinVar aggregate classification (germline): Likely benign. Review status: criteria provided, single submitter (1 of 4 stars). 2 submissions from 2 submitters: Likely benign (1). 1 of the submissions does not count toward it. Last evaluated 2022-02-12.

Conditions:
PALLD-related disorder. Also called: PALLD-related condition.

Allele frequency attached by ClinVar (database versions not stated): gnomAD 0.00001; TOPMed 0.00001; gnomAD exomes 0.00005; ExAC 0.00008; 1000 Genomes Project 30x 0.00016; 1000 Genomes Project 0.00020.
gnomAD v4.1: 68 of 1,612,054 alleles (0.0042%); highest among the groups gnomAD compares: Admixed American, 0.018%; no homozygotes.

Submissions (2):

Ambry Genetics
Classification: Likely benign. Last evaluated: 2022-02-12. Review status: criteria provided, single submitter. Criteria: Ambry Variant Classification Scheme 2023. Collection method: clinical testing. Allele origin: germline.

PreventionGenetics, part of Exact Sciences
Classification: Likely benign for PALLD-related condition. Last evaluated: 2023-12-13. Review status: no assertion criteria provided. Collection method: clinical testing. Allele origin: germline. Not counted in ClinVar's aggregate classification.
Comment: This variant is classified as likely benign based on ACMG/AMP sequence variant interpretation guidelines (Richards et al. 2015 PMID: 25741868, with internal and published modifications).

NM_001166108.2(PALLD):c.1050C>T (p.Ser350=)

Gene: PALLD (palladin, cytoskeletal associated protein; plus strand). Cytogenetic location: 4q32.3.
Variant type: single nucleotide variant.
Coding change: c.1050C>T on transcript NM_001166108.2 (MANE Select); coding-DNA position 1050, C replaced by T.
Protein change: p.Ser350=; no amino-acid change (serine 350 retained).
Molecular consequence: synonymous variant. On other transcripts: 5 prime UTR variant (1).
Genome position (GRCh38, 1-based): chr4:168,668,331, C>T. VCF-style: chr4-168668331-C-T. GRCh37 (hg19) VCF-style: chr4-169589482-C-T.
Other names: c.-97C>T (NM_001166109.2); c.1050C>T, p.Ser350= (NM_016081.4).
Identifiers: ClinVar variation 1776926 (VCV001776926.4), dbSNP rs569927452, ClinGen allele CA3135497.